The following is an entry in ClinVar:

NM_006206.6(PDGFRA):c.1337A>G (p.Glu446Gly)

Gene: PDGFRA (platelet derived growth factor receptor alpha; plus strand). Cytogenetic location: 4q12.
Variant type: single nucleotide variant.
Coding change: c.1337A>G on transcript NM_006206.6 (MANE Select); coding-DNA position 1337, A replaced by G.
Protein change: p.Glu446Gly; replaces glutamic acid 446 with glycine.
Molecular consequence: missense variant.
Genome position (GRCh38, 1-based): chr4:54,272,493, A>G. VCF-style: chr4-54272493-A-G. GRCh37 (hg19) VCF-style: chr4-55138660-A-G.
Other names: c.1337A>G, p.Glu446Gly (NM_001347827.2, NM_001347829.2); c.1412A>G, p.Glu471Gly (NM_001347828.2); c.1376A>G, p.Glu459Gly (NM_001347830.2); short protein forms E471G, E446G, E459G.
Identifiers: ClinVar variation 2447483 (VCV002447483.5), dbSNP rs2475482705, ClinGen allele CA356892333.

ClinVar aggregate classification (germline): Uncertain significance. Review status: criteria provided, multiple submitters, no conflicts (2 of 4 stars). 2 submissions from 2 submitters: Uncertain significance (2). Last evaluated 2023-03-07.

Conditions:
Hereditary cancer-predisposing syndrome. Also called: Hereditary Cancer Syndrome; Hereditary neoplastic syndrome; Neoplastic Syndromes, Hereditary; Tumor predisposition. Identifiers: Orphanet 140162, MedGen C0027672, MeSH D009386, MONDO:0015356.
Gastrointestinal stromal tumor. Also called: Gastrointestinal stromal tumor, somatic; Gastrointestinal stroma tumor. Identifiers: Orphanet 44890, MedGen C0238198, MeSH D046152, MONDO:0011719, OMIM 606764, HP:0100723.

Submissions (2):

Labcorp Genetics (formerly Invitae), Labcorp
Classification: Uncertain significance for Gastrointestinal stromal tumor. Last evaluated: 2023-03-07. Review status: criteria provided, single submitter. Criteria: Invitae Variant Classification Sherloc (09022015). Collection method: clinical testing. Allele origin: germline.
Comment: In summary, the available evidence is currently insufficient to determine the role of this variant in disease. Therefore, it has been classified as a Variant of Uncertain Significance. Advanced modeling of protein sequence and biophysical properties (such as structural, functional, and spatial information, amino acid conservation, physicochemical variation, residue mobility, and thermodynamic stability) performed at Invitae indicates that this missense variant is not expected to disrupt PDGFRA protein function. This variant has not been reported in the literature in individuals affected with PDGFRA-related conditions. This variant is not present in population databases (gnomAD no frequency). This sequence change replaces glutamic acid, which is acidic and polar, with glycine, which is neutral and non-polar, at codon 446 of the PDGFRA protein (p.Glu446Gly).

Ambry Genetics
Classification: Uncertain significance for Hereditary cancer-predisposing syndrome. Last evaluated: 2022-12-05. Review status: criteria provided, single submitter. Criteria: Ambry Variant Classification Scheme 2023. Collection method: clinical testing. Allele origin: germline.
Comment: The p.E446G variant (also known as c.1337A>G), located in coding exon 8 of the PDGFRA gene, results from an A to G substitution at nucleotide position 1337. The glutamic acid at codon 446 is replaced by glycine, an amino acid with similar properties. This amino acid position is conserved. In addition, the in silico prediction for this alteration is inconclusive. Since supporting evidence is limited at this time, the clinical significance of this alteration remains unclear.